The following is an entry in ClinVar:

NM_004260.4(RECQL4):c.820C>A (p.Gln274Lys)

Gene: RECQL4 (RecQ like helicase 4; minus strand). Cytogenetic location: 8q24.3.
Variant type: single nucleotide variant.
Coding change: c.820C>A on transcript NM_004260.4 (MANE Select); coding-DNA position 820, C replaced by A.
Protein change: p.Gln274Lys; replaces glutamine 274 with lysine.
Molecular consequence: missense variant.
Genome position (GRCh38, 1-based): chr8:144,516,299, G>T on the plus strand (C>A on the coding strand, the complement: RECQL4 is on the minus strand). VCF-style: chr8-144516299-G-T. GRCh37 (hg19) VCF-style: chr8-145741683-G-T.
Other names: c.820C>A, p.Gln274Lys (NM_001413017.1, NM_001413018.1, NM_001413019.1 and 4 more transcripts); c.-252C>A (NM_001413021.1, NM_001413022.1, NM_001413023.1 and 7 more transcripts); c.691C>A, p.Gln231Lys (NM_001413025.1); c.-314C>A (NM_001413027.1, NM_001413030.1, NM_001413031.1 and 2 more transcripts); c.469C>A, p.Gln157Lys (NM_001413029.1); c.-156C>A (NM_001413034.1); c.-521C>A (NM_001413043.1); short protein forms Q157K, Q231K, Q274K.
Identifiers: ClinVar variation 2416701 (VCV002416701.6), dbSNP rs2538089146, ClinGen allele CA372689090.

ClinVar aggregate classification (germline): Uncertain significance (1 of 4 stars; one submission).

Conditions:
Baller-Gerold syndrome (BGS). Also called: CRANIOSYNOSTOSIS WITH RADIAL DEFECTS. Identifiers: Orphanet 1225, MedGen C0265308, MONDO:0009039, OMIM 218600.

Submission:

Labcorp Genetics (formerly Invitae), Labcorp
Classification: Uncertain significance for Baller-Gerold syndrome. Last evaluated: 2022-11-15. Review status: criteria provided, single submitter. Criteria: Invitae Variant Classification Sherloc (09022015). Collection method: clinical testing. Allele origin: germline.
Comment: In summary, the available evidence is currently insufficient to determine the role of this variant in disease. Therefore, it has been classified as a Variant of Uncertain Significance. Advanced modeling of protein sequence and biophysical properties (such as structural, functional, and spatial information, amino acid conservation, physicochemical variation, residue mobility, and thermodynamic stability) performed at Invitae indicates that this missense variant is not expected to disrupt RECQL4 protein function. This variant has not been reported in the literature in individuals affected with RECQL4-related conditions. This variant is not present in population databases (gnomAD no frequency). This sequence change replaces glutamine, which is neutral and polar, with lysine, which is basic and polar, at codon 274 of the RECQL4 protein (p.Gln274Lys).